The following is an entry in ClinVar:

NM_003791.4(MBTPS1):c.50G>A (p.Gly17Glu)

Gene: MBTPS1 (membrane bound transcription factor peptidase, site 1; minus strand). Cytogenetic location: 16q24.1.
Variant type: single nucleotide variant.
Coding change: c.50G>A on transcript NM_003791.4 (MANE Select); coding-DNA position 50, G replaced by A.
Protein change: p.Gly17Glu; replaces glycine 17 with glutamic acid.
Molecular consequence: missense variant.
Genome position (GRCh38, 1-based): chr16:84,101,734, C>T on the plus strand (G>A on the coding strand, the complement: MBTPS1 is on the minus strand). VCF-style: chr16-84101734-C-T. GRCh37 (hg19) VCF-style: chr16-84135339-C-T.
Other names: c.50G>A (NM_003791.2); short protein forms G17E.
Identifiers: ClinVar variation 1298671 (VCV001298671.40), dbSNP rs374302126, ClinGen allele CA8201924.

ClinVar aggregate classification (germline): Uncertain significance. Review status: criteria provided, multiple submitters, no conflicts (2 of 4 stars). 3 submissions from 3 submitters: Uncertain significance (3). Last evaluated 2025-02-08.

Conditions:
Inborn genetic diseases. Identifiers: MedGen C0950123, MeSH D030342.

Allele frequency attached by ClinVar (database versions not stated): gnomAD 0.00001; gnomAD exomes 0.00001 and 0.00002; ExAC 0.00002; TOPMed 0.00002; ESP Exome Variant Server 0.00008.
gnomAD v4.1: 17 of 1,614,022 alleles (0.0011%); highest among the groups gnomAD compares: Non-Finnish European, 0.0014%; 1 homozygote.

Submissions (3):

Ambry Genetics
Classification: Uncertain significance for Inborn genetic diseases. Last evaluated: 2025-02-08. Review status: criteria provided, single submitter. Criteria: Ambry Variant Classification Scheme 2023. Collection method: clinical testing. Allele origin: germline.

Labcorp Genetics (formerly Invitae), Labcorp
Classification: Uncertain significance. Last evaluated: 2022-08-07. Review status: criteria provided, single submitter. Criteria: Invitae Variant Classification Sherloc (09022015). Collection method: clinical testing. Allele origin: germline.
Comment: In summary, the available evidence is currently insufficient to determine the role of this variant in disease. Therefore, it has been classified as a Variant of Uncertain Significance. Algorithms developed to predict the effect of missense changes on protein structure and function are either unavailable or do not agree on the potential impact of this missense change (SIFT: "Tolerated"; PolyPhen-2: "Possibly Damaging"; Align-GVGD: "Class C0"). ClinVar contains an entry for this variant (Variation ID: 1298671). This variant has not been reported in the literature in individuals affected with MBTPS1-related conditions. This variant is present in population databases (rs374302126, gnomAD 0.004%). This sequence change replaces glycine, which is neutral and non-polar, with glutamic acid, which is acidic and polar, at codon 17 of the MBTPS1 protein (p.Gly17Glu).

CeGaT Center for Human Genetics Tuebingen
Classification: Uncertain significance. Last evaluated: 2021-08-01. Review status: criteria provided, single submitter. Criteria: CeGaT Center For Human Genetics Tuebingen Variant Classification Criteria Version 2. Collection method: clinical testing. Allele origin: germline. Affected: yes. Observed: 1 variant allele.